The following is an entry in ClinVar:

ClinVar aggregate classification (germline): Conflicting classifications of pathogenicity. Review status: criteria provided, conflicting classifications (1 of 4 stars). 6 submissions from 6 submitters: Uncertain significance (1); Benign (1); Likely benign (4). Last evaluated 2026-07-01.

Conditions:
Microcephalic osteodysplastic primordial dwarfism type II (MOPD2). Also called: Microcephalic osteodysplastic primordial dwarfism with tooth abnormalities; MOPD II; OSTEODYSPLASTIC PRIMORDIAL DWARFISM, TYPE II. Identifiers: Orphanet 2637, MedGen C0432246, MONDO:0008872, OMIM 210720.

Allele frequency attached by ClinVar (database versions not stated): 1000 Genomes Project 30x 0.00062; 1000 Genomes Project 0.00080; gnomAD 0.00108; TOPMed 0.00128; ESP Exome Variant Server 0.00215.
gnomAD v4.1: 2,942 of 1,613,344 alleles (0.18%); highest among the groups gnomAD compares: Non-Finnish European, 0.21%; 7 homozygotes.

Submissions (6):

CeGaT Center for Human Genetics Tuebingen
Classification: Likely benign. Last evaluated: 2026-07-01. Review status: criteria provided, single submitter. Criteria: CeGaT Center For Human Genetics Tuebingen Variant Classification Criteria Version 2. Collection method: clinical testing. Allele origin: germline. Affected: yes. Observed: 5 variant alleles.
Comment: PCNT: BP4, BS2

Labcorp Genetics (formerly Invitae), Labcorp
Classification: Likely benign. Last evaluated: 2026-01-26. Review status: criteria provided, single submitter. Criteria: Invitae Variant Classification Sherloc (09022015). Collection method: clinical testing. Allele origin: germline.

Blueprint Genetics
Classification: Likely benign. Last evaluated: 2024-11-28. Review status: criteria provided, single submitter. Criteria: ACMG Guidelines, 2015. Collection method: clinical testing. Allele origin: germline.

Genetic Services Laboratory, University of Chicago
Classification: Likely benign. Last evaluated: 2020-05-15. Review status: criteria provided, single submitter. Criteria: ACMG Guidelines, 2015. Collection method: clinical testing. Allele origin: germline. Affected: no.

Illumina Laboratory Services, Illumina
Classification: Uncertain significance for Microcephalic osteodysplastic primordial dwarfism type II. Last evaluated: 2018-01-13. Review status: criteria provided, single submitter. Criteria: ICSL Variant Classification Criteria 13 December 2019. Collection method: clinical testing. Allele origin: germline.

GeneDx
Classification: Benign. Last evaluated: 2015-04-12. Review status: criteria provided, single submitter. Criteria: GeneDx Variant Classification (06012015). Collection method: clinical testing. Allele origin: germline. Affected: yes.
Comment: This variant is considered likely benign or benign based on one or more of the following criteria: it is a conservative change, it occurs at a poorly conserved position in the protein, it is predicted to be benign by multiple in silico algorithms, and/or has population frequency not consistent with disease.

NM_006031.6(PCNT):c.7180-8C>T

Gene: PCNT (pericentrin; plus strand). Cytogenetic location: 21q22.3.
Variant type: single nucleotide variant.
Coding change: c.7180-8C>T on transcript NM_006031.6 (MANE Select); 8 bases into the intron before coding-DNA position 7180, C replaced by T.
Molecular consequence: intron variant.
Genome position (GRCh38, 1-based): chr21:46,425,823, C>T. VCF-style: chr21-46425823-C-T. GRCh37 (hg19) VCF-style: chr21-47845737-C-T.
Other names: c.6826-8C>T (NM_001315529.2).
Identifiers: ClinVar variation 340528 (VCV000340528.62), dbSNP rs143511166, ClinGen allele CA10080561.